The following is an entry in ClinVar:

ClinVar aggregate classification (germline): Pathogenic (1 of 4 stars; one submission).

Conditions:
Retinitis pigmentosa 39 (RP39). Identifiers: Orphanet 791, MedGen C3151138, MONDO:0013436, OMIM 613809.
Usher syndrome type 2A. Also called: USHER SYNDROME, TYPE IIA; RETINAL DISEASE IN USHER SYNDROME TYPE IIA, MODIFIER OF. Identifiers: Orphanet 231178, Orphanet 886, MedGen C1848634, MONDO:0010169, OMIM 276901.

Submission:

Juno Genomics, Hangzhou Juno Genomics, Inc
Classification: Pathogenic for Retinitis pigmentosa 39; Usher syndrome type 2A. Review status: criteria provided, single submitter. Criteria: ACMG Guidelines, 2015. Collection method: clinical testing. Allele origin: germline. Affected: yes.
Comment: Absent from controls (or at extremely low frequency if recessive) in Genome Aggregation Database, Exome Sequencing Project, 1000 Genomes Project, or Exome Aggregation Consortium.;Null variant in a gene where loss of function (LOF) is a known mechanism of disease.;For recessive disorders, detected in trans with a pathogenic variant.

NM_206933.4(USH2A):c.1144-1G>A

Gene: USH2A (usherin; minus strand). Cytogenetic location: 1q41.
Variant type: single nucleotide variant.
Coding change: c.1144-1G>A on transcript NM_206933.4 (MANE Select); the canonical splice acceptor site of the intron before coding-DNA position 1144, G replaced by A.
Molecular consequence: splice acceptor variant.
Genome position (GRCh38, 1-based): chr1:216,324,353, C>T on the plus strand (G>A on the coding strand, the complement: USH2A is on the minus strand). VCF-style: chr1-216324353-C-T. GRCh37 (hg19) VCF-style: chr1-216497695-C-T.
Other names: c.1144-1G>A (NM_007123.6).
Identifiers: ClinVar variation 3382220 (VCV003382220.2).